The following is an entry in ClinVar:

NM_020975.6(RET):c.2802-3C>A

Gene: RET (ret proto-oncogene; plus strand). Cytogenetic location: 10q11.21.
Variant type: single nucleotide variant.
Coding change: c.2802-3C>A on transcript NM_020975.6 (MANE Select); 3 bases into the intron before coding-DNA position 2802, C replaced by A.
Molecular consequence: intron variant.
Genome position (GRCh38, 1-based): chr10:43,123,668, C>A. VCF-style: chr10-43123668-C-A. GRCh37 (hg19) VCF-style: chr10-43619116-C-A.
Other names: c.2802-3C>A (NM_020630.7, NM_001406743.1, NM_001406744.1 and 2 more transcripts); c.2667-3C>A (NM_001406765.1, NM_001406763.1); c.2406-3C>A (NM_001406772.1, NM_001406769.1); c.2364-3C>A (NM_001406773.1, NM_001406771.1); c.1905-3C>A (NM_001406782.1, NM_001406780.1, NM_001406779.1 and 1 more transcripts); c.1770-3C>A (NM_001406787.1); c.1785-3C>A (NM_001406785.1); c.2673-3C>A (NM_001406764.1, NM_001406762.1, NM_001406761.1); and 10 more.
Identifiers: ClinVar variation 821834 (VCV000821834.11), dbSNP rs754733091, ClinGen allele CA592897044.

ClinVar aggregate classification (germline): Uncertain significance. Review status: criteria provided, multiple submitters, no conflicts (2 of 4 stars). 3 submissions from 3 submitters: Uncertain significance (3). Last evaluated 2026-02-17.

Conditions:
Multiple endocrine neoplasia, type 2 (MEN2). Identifiers: Orphanet 653, MedGen C4048306, MONDO:0019003. Disease mechanism: gain of function.
Hereditary cancer-predisposing syndrome. Also called: Tumor predisposition; Neoplastic Syndromes, Hereditary; Hereditary Cancer Syndrome; Hereditary neoplastic syndrome. Identifiers: Orphanet 140162, MedGen C0027672, MeSH D009386, MONDO:0015356.

Submissions (3):

Ambry Genetics
Classification: Uncertain significance for Hereditary cancer-predisposing syndrome. Last evaluated: 2026-02-17. Review status: criteria provided, single submitter. Criteria: Ambry Variant Classification Scheme 2023. Collection method: clinical testing. Allele origin: germline.
Comment: The c.2802-3C>A intronic variant results from a C to A substitution 3 nucleotides upstream from coding exon 17 in the RET gene. This nucleotide position is not well conserved in available vertebrate species. In silico splice site analysis predicts that this alteration will not have any significant effect on splicing. Based on the available evidence, the clinical significance of this variant remains unclear.

All of Us Research Program, National Institutes of Health
Classification: Uncertain significance for Multiple endocrine neoplasia, type 2. Last evaluated: 2024-02-05. Review status: criteria provided, single submitter. Criteria: ACMG Guidelines, 2015. Collection method: clinical testing. Allele origin: germline. Inheritance: Autosomal dominant inheritance. Observed: 1 variant allele, 1 heterozygote.
Comment: This variant causes a C to A nucleotide substitution at the -3 position of intron 16 of the RET gene. To our knowledge, functional studies have not been reported for this variant. This variant has not been reported in individuals affected with RET-related disorders in the literature. This variant has been identified in 1/251494 chromosomes in the general population by the Genome Aggregation Database (gnomAD). The available evidence is insufficient to determine the role of this variant in disease conclusively. Therefore, this variant is classified as a Variant of Uncertain Significance.

This study involves interpretation of variants in research participants for the purpose of population health screening. Participant phenotype was not available at the time of variant classification. Additional details can be found in publication PMID: 35346344, PMCID: PMC8962531

Labcorp Genetics (formerly Invitae), Labcorp
Classification: Uncertain significance for Multiple endocrine neoplasia, type 2. Last evaluated: 2023-03-01. Review status: criteria provided, single submitter. Criteria: Invitae Variant Classification Sherloc (09022015). Collection method: clinical testing. Allele origin: germline.
Comment: In summary, the available evidence is currently insufficient to determine the role of this variant in disease. Therefore, it has been classified as a Variant of Uncertain Significance. Variants that disrupt the consensus splice site are a relatively common cause of aberrant splicing (PMID: 17576681, 9536098). Algorithms developed to predict the effect of sequence changes on RNA splicing suggest that this variant is not likely to affect RNA splicing. ClinVar contains an entry for this variant (Variation ID: 821834). This variant has not been reported in the literature in individuals affected with RET-related conditions. This variant is present in population databases (no rsID available, gnomAD 0.0009%). This sequence change falls in intron 16 of the RET gene. It does not directly change the encoded amino acid sequence of the RET protein. It affects a nucleotide within the consensus splice site.

Literature cited by the submitters: PubMed 17576681 (cited by Labcorp Genetics (formerly Invitae), Labcorp); PubMed 9536098 (cited by Labcorp Genetics (formerly Invitae), Labcorp).